The following is an entry in ClinVar:

ClinVar aggregate classification (germline): Uncertain significance (1 of 4 stars; one submission).

Submission:

CeGaT Center for Human Genetics Tuebingen
Classification: Uncertain significance. Last evaluated: 2026-02-01. Review status: criteria provided, single submitter. Criteria: CeGaT Center For Human Genetics Tuebingen Variant Classification Criteria Version 2. Collection method: clinical testing. Allele origin: germline. Affected: yes. Observed: 1 variant allele.
Comment: NAA15: PM2, BP4

NM_057175.5(NAA15):c.537+3A>G

Gene: NAA15 (N-alpha-acetyltransferase 15, NatA auxiliary subunit; plus strand). Cytogenetic location: 4q31.1.
Variant type: single nucleotide variant.
Coding change: c.537+3A>G on transcript NM_057175.5 (MANE Select); 3 bases into the intron after coding-DNA position 537, A replaced by G.
Molecular consequence: intron variant.
Genome position (GRCh38, 1-based): chr4:139,342,963, A>G. VCF-style: chr4-139342963-A-G. GRCh37 (hg19) VCF-style: chr4-140264117-A-G.
Other names: c.537+3A>G (NM_001410842.1).
Identifiers: ClinVar variation 4823291 (VCV004823291.4).
Genomic context (GRCh38, chr4:139,342,963, plus strand): 5'-ATTAGAAGATTATGAAATGGCAGCAAAGATTTTAGAAGAATTTAGGAAAACACAACAGGT[A>G]ATAACTAGAAGCCATTTTACTAAGTCTGATCCTAAGTATAACTAAAAAAATAATGTGCAT-3'